The following is an entry in ClinVar:

ClinVar aggregate classification (germline): Uncertain significance (1 of 4 stars; one submission).

Conditions:
Distal hereditary motor neuropathy type 2. Identifiers: Orphanet 139525, MedGen C3711384, MeSH C580044, MONDO:0015352.

Submission:

Labcorp Genetics (formerly Invitae), Labcorp
Classification: Uncertain significance for Distal hereditary motor neuropathy type 2. Last evaluated: 2024-10-28. Review status: criteria provided, single submitter. Criteria: Invitae Variant Classification Sherloc (09022015). Collection method: clinical testing. Allele origin: germline.
Comment: This sequence change replaces lysine, which is basic and polar, with asparagine, which is neutral and polar, at codon 61 of the FBXO38 protein (p.Lys61Asn). This variant is not present in population databases (gnomAD no frequency). This variant has not been reported in the literature in individuals affected with FBXO38-related conditions. ClinVar contains an entry for this variant (Variation ID: 1985298). Invitae Evidence Modeling of protein sequence and biophysical properties (such as structural, functional, and spatial information, amino acid conservation, physicochemical variation, residue mobility, and thermodynamic stability) indicates that this missense variant is not expected to disrupt FBXO38 protein function with a negative predictive value of 80%. In summary, the available evidence is currently insufficient to determine the role of this variant in disease. Therefore, it has been classified as a Variant of Uncertain Significance.

NM_205836.3(FBXO38):c.183G>T (p.Lys61Asn)

Gene: FBXO38 (F-box protein 38; plus strand). Cytogenetic location: 5q32.
Variant type: single nucleotide variant.
Coding change: c.183G>T on transcript NM_205836.3 (MANE Select); coding-DNA position 183, G replaced by T.
Protein change: p.Lys61Asn; replaces lysine 61 with asparagine.
Molecular consequence: missense variant.
Genome position (GRCh38, 1-based): chr5:148,399,053, G>T. VCF-style: chr5-148399053-G-T. GRCh37 (hg19) VCF-style: chr5-147778616-G-T.
Other names: c.183G>T, p.Lys61Asn (NM_001271723.2, NM_030793.5); short protein forms K61N.
Identifiers: ClinVar variation 1985298 (VCV001985298.4), dbSNP rs2531697245, ClinGen allele CA361654174.